The following is an entry in ClinVar:

ClinVar aggregate classification (germline): Uncertain significance (1 of 4 stars; one submission).

Conditions:
Werner syndrome (WRN). Identifiers: Orphanet 902, MedGen C0043119, MONDO:0010196, OMIM 277700.

Allele frequency attached by ClinVar (database versions not stated): gnomAD exomes below 0.00001; ExAC 0.00001.
gnomAD v4.1: 2 of 1,614,032 alleles (0.00012%); highest among the groups gnomAD compares: South Asian, 0.0011%; no homozygotes.

Submission:

Labcorp Genetics (formerly Invitae), Labcorp
Classification: Uncertain significance for Werner syndrome. Last evaluated: 2022-05-08. Review status: criteria provided, single submitter. Criteria: Invitae Variant Classification Sherloc (09022015). Collection method: clinical testing. Allele origin: germline.
Comment: In summary, the available evidence is currently insufficient to determine the role of this variant in disease. Therefore, it has been classified as a Variant of Uncertain Significance. Algorithms developed to predict the effect of missense changes on protein structure and function are either unavailable or do not agree on the potential impact of this missense change (SIFT: "Not Available"; PolyPhen-2: "Probably Damaging"; Align-GVGD: "Not Available"). This variant has not been reported in the literature in individuals affected with WRN-related conditions. This variant is present in population databases (rs769600792, gnomAD 0.003%). This sequence change replaces aspartic acid, which is acidic and polar, with asparagine, which is neutral and polar, at codon 679 of the WRN protein (p.Asp679Asn).

NM_000553.6(WRN):c.2035G>A (p.Asp679Asn)

Gene: WRN (WRN RecQ like helicase; plus strand). Cytogenetic location: 8p12.
Variant type: single nucleotide variant.
Coding change: c.2035G>A on transcript NM_000553.6 (MANE Select); coding-DNA position 2035, G replaced by A.
Protein change: p.Asp679Asn; replaces aspartic acid 679 with asparagine.
Molecular consequence: missense variant.
Genome position (GRCh38, 1-based): chr8:31,100,902, G>A. VCF-style: chr8-31100902-G-A. GRCh37 (hg19) VCF-style: chr8-30958418-G-A.
Other names: short protein forms D679N.
Identifiers: ClinVar variation 2066705 (VCV002066705.4), dbSNP rs769600792, ClinGen allele CA4704605.